The following is an entry in ClinVar:

ClinVar aggregate classification (germline): Likely benign. Review status: criteria provided, single submitter (1 of 4 stars). 2 submissions from 2 submitters: Likely benign (1). 1 of the submissions does not count toward it. Last evaluated 2025-08-14.

Conditions:
HNRNPA2B1-related disorder. Also called: HNRNPA2B1-related condition.
Inclusion body myopathy with early-onset Paget disease with or without frontotemporal dementia 2 (IBMPFD2). Also called: MULTISYSTEM PROTEINOPATHY 2. Identifiers: MedGen C3809468, MONDO:0014178, OMIM 615422.

Allele frequency attached by ClinVar (database versions not stated): gnomAD exomes 0.00002 and 0.00005; ExAC 0.00003; gnomAD 0.00005 and 0.00006; ESP Exome Variant Server 0.00008; TOPMed 0.00008.

Submissions (2):

Labcorp Genetics (formerly Invitae), Labcorp
Classification: Likely benign for Inclusion body myopathy with early-onset Paget disease with or without frontotemporal dementia 2. Last evaluated: 2025-08-14. Review status: criteria provided, single submitter. Criteria: Invitae Variant Classification Sherloc (09022015). Collection method: clinical testing. Allele origin: germline.

PreventionGenetics, part of Exact Sciences
Classification: Likely benign for HNRNPA2B1-related condition. Last evaluated: 2022-04-12. Review status: no assertion criteria provided. Collection method: clinical testing. Allele origin: germline. Not counted in ClinVar's aggregate classification.
Comment: This variant is classified as likely benign based on ACMG/AMP sequence variant interpretation guidelines (Richards et al. 2015 PMID: 25741868, with internal and published modifications).

NM_002137.4(HNRNPA2B1):c.348T>C (p.Leu116=)

Gene: HNRNPA2B1 (heterogeneous nuclear ribonucleoprotein A2/B1; minus strand). Cytogenetic location: 7p15.2.
Variant type: single nucleotide variant.
Coding change: c.348T>C on transcript NM_002137.4 (MANE Select); coding-DNA position 348, T replaced by C.
Protein change: p.Leu116=; no amino-acid change (leucine 116 retained).
Molecular consequence: synonymous variant.
Genome position (GRCh38, 1-based): chr7:26,196,934, A>G on the plus strand (T>C on the coding strand, the complement: HNRNPA2B1 is on the minus strand). VCF-style: chr7-26196934-A-G. GRCh37 (hg19) VCF-style: chr7-26236554-A-G.
Other names: c.384T>C, p.Leu128= (NM_031243.4).
Identifiers: ClinVar variation 1635264 (VCV001635264.10), dbSNP rs369903398, ClinGen allele CA4194683.